The following is an entry in ClinVar:

ClinVar aggregate classification (germline): Uncertain significance. Review status: criteria provided, multiple submitters, no conflicts (2 of 4 stars). 2 submissions from 2 submitters: Uncertain significance (2). Last evaluated 2023-04-03.

Conditions:
Arrhythmogenic cardiomyopathy with wooly hair and keratoderma. Also called: Dilated cardiomyopathy with woolly hair and keratoderma; Arrhythmogenic cardiomyopathy with woolly hair and keratoderma; PALMOPLANTAR KERATODERMA WITH LEFT VENTRICULAR CARDIOMYOPATHY AND WOOLLY HAIR; Carvajal syndrome. Identifiers: Orphanet 65282, MedGen C1854063, MONDO:0011581, OMIM 605676.

Allele frequency attached by ClinVar (database versions not stated): ExAC 0.00001.
gnomAD v4.1: 2 of 1,614,198 alleles (0.00012%); no homozygotes.

Submissions (2):

All of Us Research Program, National Institutes of Health
Classification: Uncertain significance for Arrhythmogenic cardiomyopathy with wooly hair and keratoderma. Last evaluated: 2023-04-03. Review status: criteria provided, single submitter. Criteria: ACMG Guidelines, 2015. Collection method: clinical testing. Allele origin: germline. Inheritance: Autosomal dominant inheritance. Observed: 1 variant allele, 1 heterozygote.
Comment: This missense variant replaces methionine with valine at codon 670 of the DSP protein. Computational prediction suggests that this variant may not impact protein structure and function (internally defined REVEL score threshold <= 0.5, PMID: 27666373). To our knowledge, functional studies have not been reported for this variant. This variant has not been reported in individuals affected with DSP-related disorders in the literature. This variant has been identified in 1/251234 chromosomes in the general population by the Genome Aggregation Database (gnomAD). The available evidence is insufficient to determine the role of this variant in disease conclusively. Therefore, this variant is classified as a Variant of Uncertain Significance.

This study involves interpretation of variants in research participants for the purpose of population health screening. Participant phenotype was not available at the time of variant classification. Additional details can be found in publication PMID: 35346344, PMCID: PMC8962531

Blueprint Genetics
Classification: Uncertain significance. Last evaluated: 2020-09-29. Review status: criteria provided, single submitter. Criteria: ACMG Guidelines, 2015. Collection method: clinical testing. Allele origin: germline.

NM_004415.4(DSP):c.2008A>G (p.Met670Val)

Gene: DSP (desmoplakin; plus strand). Cytogenetic location: 6p24.3.
Variant type: single nucleotide variant.
Coding change: c.2008A>G on transcript NM_004415.4 (MANE Select); coding-DNA position 2008, A replaced by G.
Protein change: p.Met670Val; replaces methionine 670 with valine.
Molecular consequence: missense variant.
Genome position (GRCh38, 1-based): chr6:7,571,946, A>G. VCF-style: chr6-7571946-A-G. GRCh37 (hg19) VCF-style: chr6-7572179-A-G.
Other names: c.2008A>G, p.Met670Val (NM_001008844.3, NM_001319034.2); short protein forms M670V.
Identifiers: ClinVar variation 3070083 (VCV003070083.2), dbSNP rs766852978, ClinGen allele CA031238.